The following is an entry in ClinVar:

NM_006648.4(WNK2):c.317G>C (p.Gly106Ala)

Gene: WNK2 (WNK lysine deficient protein kinase 2; plus strand). Cytogenetic location: 9q22.31.
Variant type: single nucleotide variant.
Coding change: c.317G>C on transcript NM_006648.4 (MANE Select); coding-DNA position 317, G replaced by C.
Protein change: p.Gly106Ala; replaces glycine 106 with alanine.
Molecular consequence: missense variant.
Genome position (GRCh38, 1-based): chr9:93,185,246, G>C. VCF-style: chr9-93185246-G-C. GRCh37 (hg19) VCF-style: chr9-95947528-G-C.
Other names: c.317G>C, p.Gly106Ala (NM_001282394.3); short protein forms G106A.
Identifiers: ClinVar variation 4201835 (VCV004201835.1).

ClinVar aggregate classification (germline): Uncertain significance (1 of 4 stars; one submission).

Submission:

Ambry Genetics
Classification: Uncertain significance. Last evaluated: 2025-08-29. Review status: criteria provided, single submitter. Criteria: Ambry Variant Classification Scheme 2023. Collection method: clinical testing. Allele origin: germline.
Comment: The p.G106A variant (also known as c.317G>C), located in coding exon 1 of the WNK2 gene, results from a G to C substitution at nucleotide position 317. The glycine at codon 106 is replaced by alanine, an amino acid with similar properties. This amino acid position is conserved. In addition, this alteration is predicted to be tolerated by in silico analysis. Based on the available evidence, the clinical significance of this variant remains unclear.